The following is an entry in ClinVar:

ClinVar aggregate classification (germline): Uncertain significance (1 of 4 stars; one submission).

Conditions:
Long QT syndrome (LQTS). Identifiers: MedGen C0023976, MeSH D008133, MONDO:0002442. Disease mechanism: loss of function. Inheritance: Various modes of inheritance.

gnomAD v4.1: 5 of 1,613,330 alleles (0.00031%); highest among the groups gnomAD compares: East Asian, 0.0022%; no homozygotes.

Submission:

Labcorp Genetics (formerly Invitae), Labcorp
Classification: Uncertain significance for Long QT syndrome. Last evaluated: 2024-05-22. Review status: criteria provided, single submitter. Criteria: Invitae Variant Classification Sherloc (09022015). Collection method: clinical testing. Allele origin: germline.
Comment: This sequence change replaces threonine, which is neutral and polar, with methionine, which is neutral and non-polar, at codon 3830 of the AKAP9 protein (p.Thr3830Met). This variant is present in population databases (rs766467346, gnomAD 0.006%). This variant has not been reported in the literature in individuals affected with AKAP9-related conditions. An algorithm developed to predict the effect of missense changes on protein structure and function (PolyPhen-2) suggests that this variant is likely to be disruptive. In summary, the available evidence is currently insufficient to determine the role of this variant in disease. Therefore, it has been classified as a Variant of Uncertain Significance.

NM_005751.5(AKAP9):c.11489C>T (p.Thr3830Met)

Gene: AKAP9 (A-kinase anchoring protein 9; plus strand). Cytogenetic location: 7q21.2.
Variant type: single nucleotide variant.
Coding change: c.11489C>T on transcript NM_005751.5 (MANE Select); coding-DNA position 11489, C replaced by T.
Protein change: p.Thr3830Met; replaces threonine 3830 with methionine.
Molecular consequence: missense variant.
Genome position (GRCh38, 1-based): chr7:92,107,365, C>T. VCF-style: chr7-92107365-C-T. GRCh37 (hg19) VCF-style: chr7-91736679-C-T.
Other names: c.6134C>T, p.Thr2045Met (NM_001379277.1); c.11465C>T, p.Thr3822Met (NM_147185.3); short protein forms T2045M, T3822M, T3830M.
Identifiers: ClinVar variation 3708683 (VCV003708683.2).
Genomic context (GRCh38, chr7:92,107,365, plus strand): 5'-CTGACTCATTTTATCATTCTTCTGGTGGGCTGGAGTTATATGGAGAACCAAGACATACTA[C>T]GTATCGCTCAAGATCAGATCTGGACTATATTAGGTCCCCTTTACCATTTCAGAATAGGTA-3'
Protein context (NP_005742.4, residues 3820-3840): LELYGEPRHT[Thr3830Met]YRSRSDLDYI